The following is an entry in ClinVar:

NM_001083614.2(EARS2):c.1024C>T (p.His342Tyr)

Gene: EARS2 (glutamyl-tRNA synthetase 2, mitochondrial; minus strand). Cytogenetic location: 16p12.2.
Variant type: single nucleotide variant.
Coding change: c.1024C>T on transcript NM_001083614.2 (MANE Select); coding-DNA position 1024, C replaced by T.
Protein change: p.His342Tyr; replaces histidine 342 with tyrosine.
Molecular consequence: missense variant. On other transcripts: non-coding transcript variant (1).
Genome position (GRCh38, 1-based): chr16:23,532,700, G>A on the plus strand (C>T on the coding strand, the complement: EARS2 is on the minus strand). VCF-style: chr16-23532700-G-A. GRCh37 (hg19) VCF-style: chr16-23544021-G-A.
Other names: c.1024C>T, p.His342Tyr (NM_001308211.1); short protein forms H342Y.
Identifiers: ClinVar variation 1396079 (VCV001396079.6), dbSNP rs1252084156, ClinGen allele CA395131557.

ClinVar aggregate classification (germline): Uncertain significance (1 of 4 stars; one submission).

Allele frequency attached by ClinVar (database versions not stated): gnomAD 0.00001; gnomAD exomes 0.00001; TOPMed below 0.00001.
gnomAD v4.1: 7 of 1,613,990 alleles (0.00043%); highest among the groups gnomAD compares: Non-Finnish European, 0.00059%; no homozygotes.

Submission:

Labcorp Genetics (formerly Invitae), Labcorp
Classification: Uncertain significance. Last evaluated: 2025-10-11. Review status: criteria provided, single submitter. Criteria: Invitae Variant Classification Sherloc (09022015). Collection method: clinical testing. Allele origin: germline.
Comment: This sequence change replaces histidine, which is basic and polar, with tyrosine, which is neutral and polar, at codon 342 of the EARS2 protein (p.His342Tyr). This variant is not present in population databases (gnomAD no frequency). This variant has not been reported in the literature in individuals affected with EARS2-related conditions. ClinVar contains an entry for this variant (Variation ID: 1396079). Invitae Evidence Modeling of protein sequence and biophysical properties (such as structural, functional, and spatial information, amino acid conservation, physicochemical variation, residue mobility, and thermodynamic stability) indicates that this missense variant is expected to disrupt EARS2 protein function with a positive predictive value of 95%. In summary, the available evidence is currently insufficient to determine the role of this variant in disease. Therefore, it has been classified as a Variant of Uncertain Significance.